The following is an entry in ClinVar:

NM_000206.3(IL2RG):c.207_211dup (p.Asn71delinsThrTer)

Gene: IL2RG (interleukin 2 receptor subunit gamma; minus strand). Cytogenetic location: Xq13.1.
Variant type: Duplication.
Coding change: c.207_211dup on transcript NM_000206.3 (MANE Select); coding-DNA positions 207 to 211, 5 bases duplicated (CATGA; older notation c.207_211dupCATGA).
Protein change: p.Asn71delinsThrTer.
Molecular consequence: nonsense.
Genome position (GRCh38, 1-based): chrX:71,110,955-71,110,959, TCATG duplicated on the plus strand (CATGA on the coding strand, the reverse complement: IL2RG is on the minus strand); duplicating any 5 consecutive bases within chrX:71,110,955-71,110,960 gives the same sequence; the c. name uses the placement nearest the transcript's 3' end. VCF-style (leftmost placement, unchanged base first): chrX-71110954-T-TTCATG. GRCh37 (hg19) VCF-style: chrX-70330804-T-TTCATG.
Other names: c.207_211dupCATGA (NM_000206.2).
Identifiers: ClinVar variation 431930 (VCV000431930.2), dbSNP rs1556330963, ClinGen allele CA645373305.

ClinVar aggregate classification (germline): Pathogenic (1 of 4 stars; one submission).

Submission:

GeneDx
Classification: Pathogenic. Last evaluated: 2018-08-08. Review status: criteria provided, single submitter. Criteria: GeneDx Variant Classification (06012015). Collection method: clinical testing. Allele origin: germline. Affected: yes.
Comment: The c.207_211dupCATGA pathogenic variant in the IL2RG gene causes a frameshift starting withcodon Asparagine 71, changes this amino acid to a Threonine residue and creates a premature Stopcodon at position 2 of the new reading frame, denoted p.Asn71ThrfsX2. This pathogenic variant ispredicted to cause loss of normal protein function either through protein truncation or nonsense-mediated mRNA decay. The variant was not observed in approximately 6,500 individuals of Europeanand African American ancestry in the NHLBI Exome Sequencing Project, indicating it is not acommon benign variant in these populations. Therefore, we interpret this duplication as a pathogenic variant.